The following is an entry in ClinVar:

NM_080605.4(B3GALT6):c.859C>G (p.Leu287Val)

Gene: B3GALT6 (beta-1,3-galactosyltransferase 6; plus strand). Cytogenetic location: 1p36.33.
Variant type: single nucleotide variant.
Coding change: c.859C>G on transcript NM_080605.4 (MANE Select); coding-DNA position 859, C replaced by G.
Protein change: p.Leu287Val; replaces leucine 287 with valine.
Molecular consequence: missense variant.
Genome position (GRCh38, 1-based): chr1:1,233,137, C>G. VCF-style: chr1-1233137-C-G. GRCh37 (hg19) VCF-style: chr1-1168517-C-G.
Other names: short protein forms L287V.
Identifiers: ClinVar variation 3755968 (VCV003755968.2).

ClinVar aggregate classification (germline): Uncertain significance (1 of 4 stars; one submission).

Conditions:
Spondyloepimetaphyseal dysplasia with joint laxity (SEMDJL). Identifiers: MedGen C0432243, MONDO:0019675.
Ehlers-Danlos syndrome, spondylodysplastic type, 2 (EDSSPD2). Also called: Ehlers-Danlos syndrome, progeroid type, 2. Identifiers: Orphanet 536467, Orphanet 75496, MedGen C3809210, MONDO:0014139, OMIM 615349.

Submission:

Labcorp Genetics (formerly Invitae), Labcorp
Classification: Uncertain significance for Ehlers-Danlos syndrome, spondylodysplastic type, 2; Spondyloepimetaphyseal dysplasia with joint laxity. Last evaluated: 2024-04-22. Review status: criteria provided, single submitter. Criteria: Invitae Variant Classification Sherloc (09022015). Collection method: clinical testing. Allele origin: germline.
Comment: This sequence change replaces leucine, which is neutral and non-polar, with valine, which is neutral and non-polar, at codon 287 of the B3GALT6 protein (p.Leu287Val). This variant is not present in population databases (gnomAD no frequency). This variant has not been reported in the literature in individuals affected with B3GALT6-related conditions. Advanced modeling of protein sequence and biophysical properties (such as structural, functional, and spatial information, amino acid conservation, physicochemical variation, residue mobility, and thermodynamic stability) performed at Invitae indicates that this missense variant is not expected to disrupt B3GALT6 protein function with a negative predictive value of 80%. In summary, the available evidence is currently insufficient to determine the role of this variant in disease. Therefore, it has been classified as a Variant of Uncertain Significance.